The following is an entry in ClinVar:

ClinVar aggregate classification (germline): Uncertain significance (1 of 4 stars; one submission).

Submission:

Labcorp Genetics (formerly Invitae), Labcorp
Classification: Uncertain significance. Last evaluated: 2025-06-26. Review status: criteria provided, single submitter. Criteria: Invitae Variant Classification Sherloc (09022015). Collection method: clinical testing. Allele origin: germline.
Comment: This sequence change replaces glutamic acid, which is acidic and polar, with valine, which is neutral and non-polar, at codon 447 of the ZNF143 protein (p.Glu447Val). The frequency data for this variant in the population databases is considered unreliable, as metrics indicate poor data quality at this position in the gnomAD database. This variant has not been reported in the literature in individuals affected with ZNF143-related conditions. An algorithm developed to predict the effect of missense changes on protein structure and function (PolyPhen-2) suggests that this variant is likely to be disruptive. In summary, the available evidence is currently insufficient to determine the role of this variant in disease. Therefore, it has been classified as a Variant of Uncertain Significance.

NM_003442.6(ZNF143):c.1340A>T (p.Glu447Val)

Gene: ZNF143 (zinc finger protein 143; plus strand). Cytogenetic location: 11p15.4.
Variant type: single nucleotide variant.
Coding change: c.1340A>T on transcript NM_003442.6 (MANE Select); coding-DNA position 1340, A replaced by T.
Protein change: p.Glu447Val; replaces glutamic acid 447 with valine.
Molecular consequence: missense variant.
Genome position (GRCh38, 1-based): chr11:9,508,811, A>T. VCF-style: chr11-9508811-A-T. GRCh37 (hg19) VCF-style: chr11-9530358-A-T.
Other names: c.1337A>T, p.Glu446Val (NM_001282656.2); c.1247A>T, p.Glu416Val (NM_001282657.2); short protein forms E447V, E416V, E446V.
Identifiers: ClinVar variation 4691605 (VCV004691605.1).
Genomic context (GRCh38, chr11:9,508,811, plus strand): 5'-AGCAGATCTCCACGCTGGCCATGCACAAACGGACAGCCCACAACGACACTGAGCCCATCG[A>T]GGAGGAGCAGGAAGCCTTCTTTGAGCCGCCCCCAGGTGAGAGTTTTGTCTACTATATTTT-3'
Protein context (NP_003433.3, residues 437-457): RTAHNDTEPI[Glu447Val]EEQEAFFEPP